The following is an entry in ClinVar:

NM_000168.6(GLI3):c.4637C>G (p.Pro1546Arg)

Gene: GLI3 (GLI family zinc finger 3; minus strand). Cytogenetic location: 7p14.1.
Variant type: single nucleotide variant.
Coding change: c.4637C>G on transcript NM_000168.6 (MANE Select); coding-DNA position 4637, C replaced by G.
Protein change: p.Pro1546Arg; replaces proline 1546 with arginine.
Molecular consequence: missense variant.
Genome position (GRCh38, 1-based): chr7:41,964,436, G>C on the plus strand (C>G on the coding strand, the complement: GLI3 is on the minus strand). VCF-style: chr7-41964436-G-C. GRCh37 (hg19) VCF-style: chr7-42004034-G-C.
Other names: short protein forms P1546R.
Identifiers: ClinVar variation 3100205 (VCV003100205.2), dbSNP rs1787101088, ClinGen allele CA367314615.

ClinVar aggregate classification (germline): Uncertain significance. Review status: criteria provided, multiple submitters, no conflicts (2 of 4 stars). 2 submissions from 2 submitters: Uncertain significance (2). Last evaluated 2025-06-18.

Conditions:
Inborn genetic diseases. Identifiers: MedGen C0950123, MeSH D030342.
GLI3-related disorder. Also called: GLI3-related condition; GLI3-related disorders. Identifiers: MedGen CN239292.

Allele frequency attached by ClinVar (database versions not stated): gnomAD exomes below 0.00001; gnomAD 0.00001.
gnomAD v4.1: 4 of 1,613,994 alleles (0.00025%); highest among the groups gnomAD compares: Admixed American, 0.0017%; no homozygotes.

Submissions (2):

PreventionGenetics, part of Exact Sciences
Classification: Uncertain significance for GLI3-related condition. Last evaluated: 2025-06-18. Review status: criteria provided, single submitter. Criteria: ACMG Guidelines, 2015. Collection method: clinical testing. Allele origin: germline.
Comment: The GLI3 c.4637C>G variant is predicted to result in the amino acid substitution p.Pro1546Arg. To our knowledge, this variant has not been reported in the literature or in a large population database (gnomAD), indicating this variant is rare. At this time, the clinical significance of this variant is uncertain due to the absence of conclusive functional and genetic evidence.

Ambry Genetics
Classification: Uncertain significance for Inborn genetic diseases. Last evaluated: 2023-12-20. Review status: criteria provided, single submitter. Criteria: Ambry Variant Classification Scheme 2023. Collection method: clinical testing. Allele origin: germline.